The following is an entry in ClinVar:

ClinVar aggregate classification (germline): Uncertain significance (1 of 4 stars; one submission).

Submission:

GeneDx
Classification: Uncertain significance. Last evaluated: 2025-09-29. Review status: criteria provided, single submitter. Criteria: GeneDx Variant Classification Process June 2021. Collection method: clinical testing. Allele origin: germline.
Comment: Not observed at significant frequency in large population cohorts (gnomAD); In silico analysis suggests that this missense variant does not alter protein structure/function; Has not been previously published as pathogenic or benign to our knowledge

NM_018489.3(ASH1L):c.2840A>G (p.Asp947Gly)

Gene: ASH1L (ASH1 like histone lysine methyltransferase; minus strand). Cytogenetic location: 1q22.
Variant type: single nucleotide variant.
Coding change: c.2840A>G on transcript NM_018489.3 (MANE Select); coding-DNA position 2840, A replaced by G.
Protein change: p.Asp947Gly; replaces aspartic acid 947 with glycine.
Molecular consequence: missense variant.
Genome position (GRCh38, 1-based): chr1:155,480,030, T>C on the plus strand (A>G on the coding strand, the complement: ASH1L is on the minus strand). VCF-style: chr1-155480030-T-C. GRCh37 (hg19) VCF-style: chr1-155449821-T-C.
Other names: c.2840A>G, p.Asp947Gly (NM_001366177.2); short protein forms D947G.
Identifiers: ClinVar variation 3769706 (VCV003769706.2).